The following is an entry in ClinVar:

ClinVar aggregate classification (germline): Uncertain significance (1 of 4 stars; one submission).

Submission:

Labcorp Genetics (formerly Invitae), Labcorp
Classification: Uncertain significance. Last evaluated: 2025-02-17. Review status: criteria provided, single submitter. Criteria: Invitae Variant Classification Sherloc (09022015). Collection method: clinical testing. Allele origin: germline.
Comment: This sequence change replaces methionine, which is neutral and non-polar, with isoleucine, which is neutral and non-polar, at codon 140 of the GABRB1 protein (p.Met140Ile). This variant is not present in population databases (gnomAD no frequency). This variant has not been reported in the literature in individuals affected with GABRB1-related conditions. Invitae Evidence Modeling of protein sequence and biophysical properties (such as structural, functional, and spatial information, amino acid conservation, physicochemical variation, residue mobility, and thermodynamic stability) indicates that this missense variant is not expected to disrupt GABRB1 protein function with a negative predictive value of 80%. In summary, the available evidence is currently insufficient to determine the role of this variant in disease. Therefore, it has been classified as a Variant of Uncertain Significance.

NM_000812.4(GABRB1):c.420G>C (p.Met140Ile)

Gene: GABRB1 (gamma-aminobutyric acid type A receptor subunit beta1; plus strand). Cytogenetic location: 4p12.
Variant type: single nucleotide variant.
Coding change: c.420G>C on transcript NM_000812.4 (MANE Select); coding-DNA position 420, G replaced by C.
Protein change: p.Met140Ile; replaces methionine 140 with isoleucine.
Molecular consequence: missense variant.
Genome position (GRCh38, 1-based): chr4:47,161,428, G>C. VCF-style: chr4-47161428-G-C. GRCh37 (hg19) VCF-style: chr4-47163445-G-C.
Other names: short protein forms M140I.
Identifiers: ClinVar variation 3655832 (VCV003655832.2).